The following is an entry in ClinVar:

ClinVar aggregate classification (germline): Uncertain significance (1 of 4 stars; one submission).

Conditions:
Hereditary cancer-predisposing syndrome. Also called: Neoplastic Syndromes, Hereditary; Tumor predisposition; Hereditary neoplastic syndrome; Hereditary Cancer Syndrome. Identifiers: Orphanet 140162, MedGen C0027672, MeSH D009386, MONDO:0015356.

Submission:

Ambry Genetics
Classification: Uncertain significance for Hereditary cancer-predisposing syndrome. Last evaluated: 2026-07-06. Review status: criteria provided, single submitter. Criteria: Ambry Variant Classification Scheme 2023. Collection method: clinical testing. Allele origin: germline.
Comment: The c.2325G>A variant (also known as p.R775R), located in coding exon 22 of the RB1 gene, results from a G to A substitution at nucleotide position 2325. This nucleotide substitution does not change the arginine at codon 775. However, this change occurs in the last base pair of coding exon 22, which makes it likely to have some effect on normal mRNA splicing. This nucleotide position is well conserved in available vertebrate species. In silico splice site analysis predicts that this alteration may weaken the native splice donor site and may result in the creation or strengthening of a novel splice donor site. RNA studies have demonstrated that this variant results in an incomplete splice defect; the clinical impact of this abnormal splicing is unknown at this time (Ambry internal data). Based on the available evidence, the clinical significance of this variant remains unclear.

NM_000321.3(RB1):c.2325G>A (p.Arg775=)

Gene: RB1 (RB transcriptional corepressor 1; plus strand). Cytogenetic location: 13q14.2.
Variant type: single nucleotide variant.
Coding change: c.2325G>A on transcript NM_000321.3 (MANE Select); coding-DNA position 2325, G replaced by A.
Protein change: p.Arg775=; no amino-acid change (arginine 775 retained).
Molecular consequence: synonymous variant.
Genome position (GRCh38, 1-based): chr13:48,465,111, G>A. VCF-style: chr13-48465111-G-A. GRCh37 (hg19) VCF-style: chr13-49039247-G-A.
Other names: c.2325G>A, p.Arg775= (NM_001407165.1).
Identifiers: ClinVar variation 5027924 (VCV005027924.1).